The following is an entry in ClinVar:

ClinVar aggregate classification (germline): Uncertain significance (1 of 4 stars; one submission).

Conditions:
Ellis-van Creveld syndrome (EVC). Also called: EVC-Related Ellis-van Creveld Syndrome; EVC2-Related Ellis-van Creveld Syndrome; MESOECTODERMAL DYSPLASIA; Chondroectodermal dysplasia. Identifiers: Orphanet 289, MedGen C0013903, MONDO:0009162, OMIM 225500.
Curry-Hall syndrome (WAD). Also called: WEYERS ACRODENTAL DYSOSTOSIS. Identifiers: Orphanet 952, MedGen C0457013, MONDO:0008673, OMIM 193530.

Allele frequency attached by ClinVar (database versions not stated): gnomAD exomes below 0.00001 and 0.00001; ExAC 0.00001.
gnomAD v4.1: 6 of 1,587,832 alleles (0.00038%); highest among the groups gnomAD compares: Non-Finnish European, 0.00051%; no homozygotes.

Submission:

Labcorp Genetics (formerly Invitae), Labcorp
Classification: Uncertain significance for Curry-Hall syndrome; Ellis-van Creveld syndrome. Last evaluated: 2023-07-10. Review status: criteria provided, single submitter. Criteria: Invitae Variant Classification Sherloc (09022015). Collection method: clinical testing. Allele origin: germline.
Comment: This sequence change replaces valine, which is neutral and non-polar, with methionine, which is neutral and non-polar, at codon 1167 of the EVC2 protein (p.Val1167Met). The frequency data for this variant in the population databases is considered unreliable, as metrics indicate poor data quality at this position in the gnomAD database. This variant has not been reported in the literature in individuals affected with EVC2-related conditions. ClinVar contains an entry for this variant (Variation ID: 1485501). An algorithm developed to predict the effect of missense changes on protein structure and function (PolyPhen-2) suggests that this variant is likely to be tolerated. In summary, the available evidence is currently insufficient to determine the role of this variant in disease. Therefore, it has been classified as a Variant of Uncertain Significance.

NM_147127.5(EVC2):c.3499G>A (p.Val1167Met)

Gene: EVC2 (EvC ciliary complex subunit 2; minus strand). Cytogenetic location: 4p16.2.
Variant type: single nucleotide variant.
Coding change: c.3499G>A on transcript NM_147127.5 (MANE Select); coding-DNA position 3499, G replaced by A.
Protein change: p.Val1167Met; replaces valine 1167 with methionine.
Molecular consequence: missense variant.
Genome position (GRCh38, 1-based): chr4:5,568,502, C>T on the plus strand (G>A on the coding strand, the complement: EVC2 is on the minus strand). VCF-style: chr4-5568502-C-T. GRCh37 (hg19) VCF-style: chr4-5570229-C-T.
Other names: c.3259G>A, p.Val1087Met (NM_001166136.2); short protein forms V1167M, V1087M.
Identifiers: ClinVar variation 1485501 (VCV001485501.9), dbSNP rs775202977, ClinGen allele CA2834300.